The following is an entry in ClinVar:

ClinVar aggregate classification (germline): Likely benign. Review status: criteria provided, multiple submitters, no conflicts (2 of 4 stars). 3 submissions from 3 submitters: Likely benign (3). Last evaluated 2025-07-15.

Conditions:
RYR1-related disorder. Also called: RYR1-related condition; RYR1-related disorders. Identifiers: MedGen CN239331.
Malignant hyperthermia, susceptibility to, 1 (MHS1). Also called: Anesthesia related hyperthermia; Malignant hyperpyrexia; Fulminating hyperpyrexia; Pharmacogenic myopathy; RYR1-Related Malignant Hyperthermia Susceptibility; Malignant hyperthermia suceptibility 1. Identifiers: Orphanet 423, MedGen C2930980, MONDO:0007783, OMIM 145600.

Allele frequency attached by ClinVar (database versions not stated): gnomAD exomes below 0.00001 and 0.00001.
gnomAD v4.1: 2 of 1,609,316 alleles (0.00012%); highest among the groups gnomAD compares: Non-Finnish European, 0.00017%; no homozygotes.

Submissions (3):

Labcorp Genetics (formerly Invitae), Labcorp
Classification: Likely benign for RYR1-related disorder. Last evaluated: 2025-07-15. Review status: criteria provided, single submitter. Criteria: Invitae Variant Classification Sherloc (09022015). Collection method: clinical testing. Allele origin: germline.

CeGaT Center for Human Genetics Tuebingen
Classification: Likely benign. Last evaluated: 2024-11-01. Review status: criteria provided, single submitter. Criteria: CeGaT Center For Human Genetics Tuebingen Variant Classification Criteria Version 2. Collection method: clinical testing. Allele origin: germline. Affected: yes. Observed: 1 variant allele.
Comment: RYR1: BP4, BP7

Color Diagnostics, LLC DBA Color Health
Classification: Likely benign for Malignant hyperthermia, susceptibility to, 1. Last evaluated: 2023-06-07. Review status: criteria provided, single submitter. Criteria: ACMG Guidelines, 2015. Collection method: clinical testing. Allele origin: germline.

NM_000540.3(RYR1):c.13989T>C (p.Asn4663=)

Gene: RYR1 (ryanodine receptor 1; plus strand). Cytogenetic location: 19q13.2.
Variant type: single nucleotide variant.
Coding change: c.13989T>C on transcript NM_000540.3 (MANE Select); coding-DNA position 13989, T replaced by C.
Protein change: p.Asn4663=; no amino-acid change (asparagine 4663 retained).
Molecular consequence: synonymous variant.
Genome position (GRCh38, 1-based): chr19:38,572,261, T>C. VCF-style: chr19-38572261-T-C. GRCh37 (hg19) VCF-style: chr19-39062901-T-C.
Other names: c.13974T>C, p.Asn4658= (NM_001042723.2).
Identifiers: ClinVar variation 1535253 (VCV001535253.22), dbSNP rs1414465486, ClinGen allele CA507356254.